The following is an entry in ClinVar:

ClinVar aggregate classification (germline): Benign/Likely benign. Review status: criteria provided, multiple submitters, no conflicts (2 of 4 stars). 6 submissions from 6 submitters: Benign (3); Likely benign (2). 1 of the submissions does not count toward it. Last evaluated 2026-01-17.

Conditions:
Myopathy, lactic acidosis, and sideroblastic anemia 1 (MLASA1). Identifiers: Orphanet 2598, MedGen C4551958, MONDO:0024553, OMIM 600462.
PUS1-related disorder. Also called: PUS1-related condition.

Allele frequency attached by ClinVar (database versions not stated): gnomAD exomes 0.00033 and 0.00064; ExAC 0.00073; 1000 Genomes Project 30x 0.00172; 1000 Genomes Project 0.00180; gnomAD 0.00206 and 0.00222; ESP Exome Variant Server 0.00208; TOPMed 0.00228.
gnomAD v4.1: 844 of 1,592,760 alleles (0.053%); highest among the groups gnomAD compares: African/African-American, 0.67%; 4 homozygotes.

Submissions (6):

Labcorp Genetics (formerly Invitae), Labcorp
Classification: Benign. Last evaluated: 2026-01-17. Review status: criteria provided, single submitter. Criteria: Invitae Variant Classification Sherloc (09022015). Collection method: clinical testing. Allele origin: germline.

CeGaT Center for Human Genetics Tuebingen
Classification: Likely benign. Last evaluated: 2025-10-01. Review status: criteria provided, single submitter. Criteria: CeGaT Center For Human Genetics Tuebingen Variant Classification Criteria Version 2. Collection method: clinical testing. Allele origin: germline. Affected: yes. Observed: 2 variant alleles.
Comment: PUS1: BP4, BP7

Blueprint Genetics
Classification: Likely benign. Last evaluated: 2024-10-08. Review status: criteria provided, single submitter. Criteria: ACMG Guidelines, 2015. Collection method: clinical testing. Allele origin: germline.

Illumina Laboratory Services, Illumina
Classification: Benign for Myopathy, lactic acidosis, and sideroblastic anemia 1. Last evaluated: 2017-04-27. Review status: criteria provided, single submitter. Criteria: ICSL Variant Classification Criteria 13 December 2019. Collection method: clinical testing. Allele origin: germline.
Comment: This variant was observed as part of a predisposition screen in an ostensibly healthy population. A literature search was performed for the gene, cDNA change, and amino acid change (where applicable). No publications were found based on this search. Allele frequency data from public databases was too high to be consistent with this variant causing disease. Therefore, this variant is classified as benign.

GeneDx
Classification: Benign. Last evaluated: 2015-03-20. Review status: criteria provided, single submitter. Criteria: GeneDx Variant Classification (06012015). Collection method: clinical testing. Allele origin: germline. Affected: yes.
Comment: This variant is considered likely benign or benign based on one or more of the following criteria: it is a conservative change, it occurs at a poorly conserved position in the protein, it is predicted to be benign by multiple in silico algorithms, and/or has population frequency not consistent with disease.

PreventionGenetics, part of Exact Sciences
Classification: Benign for PUS1-related condition. Last evaluated: 2022-11-29. Review status: no assertion criteria provided. Collection method: clinical testing. Allele origin: germline. Not counted in ClinVar's aggregate classification.
Comment: This variant is classified as benign based on ACMG/AMP sequence variant interpretation guidelines (Richards et al. 2015 PMID: 25741868, with internal and published modifications).

NM_025215.6(PUS1):c.22C>T (p.Leu8=)

Gene: PUS1 (pseudouridine synthase 1; plus strand). Cytogenetic location: 12q24.33.
Variant type: single nucleotide variant.
Coding change: c.22C>T on transcript NM_025215.6 (MANE Select); coding-DNA position 22, C replaced by T.
Protein change: p.Leu8=; no amino-acid change (leucine 8 retained).
Molecular consequence: synonymous variant. On other transcripts: intron variant (2).
Genome position (GRCh38, 1-based): chr12:131,929,744, C>T. VCF-style: chr12-131929744-C-T. GRCh37 (hg19) VCF-style: chr12-132414289-C-T.
Other names: c.-10-163C>T (NM_001002019.3, NM_001002020.3).
Identifiers: ClinVar variation 378449 (VCV000378449.32), dbSNP rs139227671, ClinGen allele CA6883972.